The following is an entry in ClinVar:

ClinVar aggregate classification (germline): Conflicting classifications of pathogenicity. Review status: criteria provided, conflicting classifications (1 of 4 stars). 5 submissions from 5 submitters: Likely pathogenic (1); Uncertain significance (3). 1 of the submissions does not count toward it. Last evaluated 2026-09-10.

Conditions:
RDH12-related disorder. Also called: RDH12-related disorders; RDH12-related condition.
Leber congenital amaurosis (LCA). Also called: Leber's amaurosis. Identifiers: Orphanet 65, MedGen C0339527, MeSH D057130, MONDO:0018998.
Leber congenital amaurosis 13 (LCA13). Identifiers: MedGen C2675186, MONDO:0012990, OMIM 612712.

Allele frequency attached by ClinVar (database versions not stated): gnomAD exomes below 0.00001 and 0.00001; TOPMed below 0.00001; gnomAD 0.00001.
gnomAD v4.1: 7 of 1,610,556 alleles (0.00043%); highest among the groups gnomAD compares: Non-Finnish European, 0.00059%; no homozygotes.

Submissions (5):

PreventionGenetics, part of Exact Sciences
Classification: Uncertain significance for RDH12-related condition. Last evaluated: 2026-09-10. Review status: criteria provided, single submitter. Criteria: ACMG Guidelines, 2015. Collection method: clinical testing. Allele origin: germline.
Comment: The RDH12 c.709C>G variant is predicted to result in the amino acid substitution p.Leu237Val. To our knowledge, this variant has not been reported in the literature. This variant is reported in 0.00089% of alleles in individuals of European (Non-Finnish) descent in gnomAD. At this time, the clinical significance of this variant is uncertain due to the absence of conclusive functional and genetic evidence.

Labcorp Genetics (formerly Invitae), Labcorp
Classification: Uncertain significance for Leber congenital amaurosis 13. Last evaluated: 2024-01-31. Review status: criteria provided, single submitter. Criteria: Invitae Variant Classification Sherloc (09022015). Collection method: clinical testing. Allele origin: germline.
Comment: This sequence change replaces leucine, which is neutral and non-polar, with valine, which is neutral and non-polar, at codon 237 of the RDH12 protein (p.Leu237Val). This variant is present in population databases (no rsID available, gnomAD 0.0009%). This missense change has been observed in individual(s) with clinical features of RDH12-related conditions (Invitae). In at least one individual the data is consistent with being in trans (on the opposite chromosome) from a pathogenic variant. ClinVar contains an entry for this variant (Variation ID: 989723). Advanced modeling of protein sequence and biophysical properties (such as structural, functional, and spatial information, amino acid conservation, physicochemical variation, residue mobility, and thermodynamic stability) performed at Invitae indicates that this missense variant is not expected to disrupt RDH12 protein function with a negative predictive value of 80%. This variant disrupts the p.Leu237 amino acid residue in RDH12. Other variant(s) that disrupt this residue have been observed in individuals with RDH12-related conditions (PMID: 30134391), which suggests that this may be a clinically significant amino acid residue. In summary, the available evidence is currently insufficient to determine the role of this variant in disease. Therefore, it has been classified as a Variant of Uncertain Significance.

GeneDx
Classification: Uncertain significance. Last evaluated: 2024-01-25. Review status: criteria provided, single submitter. Criteria: GeneDx Variant Classification Process June 2021. Collection method: clinical testing. Allele origin: germline. Affected: yes.
Comment: Not observed at significant frequency in large population cohorts (gnomAD); In silico analysis supports that this missense variant does not alter protein structure/function; Has not been previously published as pathogenic or benign to our knowledge

Blueprint Genetics
Classification: Likely pathogenic for RDH12-related disorders. Last evaluated: 2023-03-29. Review status: criteria provided, single submitter. Criteria: ACMG Guidelines, 2015. Collection method: clinical testing. Allele origin: germline. Affected: yes. Observed: 3 variant alleles.

Natera, Inc.
Classification: Uncertain significance for Leber congenital amaurosis. Last evaluated: 2020-08-14. Review status: no assertion criteria provided. Collection method: clinical testing. Allele origin: germline. Not counted in ClinVar's aggregate classification.

Literature cited by the submitters: PubMed 30134391 (cited by Labcorp Genetics (formerly Invitae), Labcorp).

NM_152443.3(RDH12):c.709C>G (p.Leu237Val)

Genes: GPHN (gephyrin; plus strand), RDH12 (retinol dehydrogenase 12; plus strand), ZFYVE26 (zinc finger FYVE-type containing 26; minus strand). Cytogenetic location: 14q24.1.
Variant type: single nucleotide variant.
Coding change: c.709C>G on transcript NM_152443.3 (MANE Select); coding-DNA position 709, C replaced by G.
Protein change: p.Leu237Val; replaces leucine 237 with valine.
Molecular consequence: missense variant.
Genome position (GRCh38, 1-based): chr14:67,729,241, C>G. VCF-style: chr14-67729241-C-G. GRCh37 (hg19) VCF-style: chr14-68195958-C-G.
Other names: c.709C>G (NM_152443.2); short protein forms L237V.
Identifiers: ClinVar variation 989723 (VCV000989723.12), dbSNP rs1377743038, ClinGen allele CA390152950.